The following is an entry in ClinVar:

ClinVar aggregate classification (germline): Uncertain significance. Review status: criteria provided, multiple submitters, no conflicts (2 of 4 stars). 2 submissions from 2 submitters: Uncertain significance (2). Last evaluated 2025-05-19.

Conditions:
Inborn genetic diseases. Identifiers: MedGen C0950123, MeSH D030342.

Allele frequency attached by ClinVar (database versions not stated): gnomAD exomes below 0.00001.
gnomAD v4.1: 1 of 1,614,124 alleles (0.000062%); highest among the groups gnomAD compares: Non-Finnish European, 0.000085%; no homozygotes.

Submissions (2):

Ambry Genetics
Classification: Uncertain significance for Inborn genetic diseases. Last evaluated: 2025-05-19. Review status: criteria provided, single submitter. Criteria: Ambry Variant Classification Scheme 2023. Collection method: clinical testing. Allele origin: germline.

Labcorp Genetics (formerly Invitae), Labcorp
Classification: Uncertain significance. Last evaluated: 2023-09-18. Review status: criteria provided, single submitter. Criteria: Invitae Variant Classification Sherloc (09022015). Collection method: clinical testing. Allele origin: germline.
Comment: This sequence change replaces leucine, which is neutral and non-polar, with proline, which is neutral and non-polar, at codon 174 of the BEST1 protein (p.Leu174Pro). In summary, the available evidence is currently insufficient to determine the role of this variant in disease. Therefore, it has been classified as a Variant of Uncertain Significance. Advanced modeling of protein sequence and biophysical properties (such as structural, functional, and spatial information, amino acid conservation, physicochemical variation, residue mobility, and thermodynamic stability) performed at Invitae indicates that this missense variant is expected to disrupt BEST1 protein function. ClinVar contains an entry for this variant (Variation ID: 834257). This variant has not been reported in the literature in individuals affected with BEST1-related conditions. This variant is not present in population databases (gnomAD no frequency).

NM_004183.4(BEST1):c.521T>C (p.Leu174Pro)

Gene: BEST1 (bestrophin 1; plus strand). Cytogenetic location: 11q12.3.
Variant type: single nucleotide variant.
Coding change: c.521T>C on transcript NM_004183.4 (MANE Select); coding-DNA position 521, T replaced by C.
Protein change: p.Leu174Pro; replaces leucine 174 with proline.
Molecular consequence: missense variant. On other transcripts: non-coding transcript variant (1).
Genome position (GRCh38, 1-based): chr11:61,956,883, T>C. VCF-style: chr11-61956883-T-C. GRCh37 (hg19) VCF-style: chr11-61724355-T-C.
Other names: c.341T>C, p.Leu114Pro (NM_001139443.3, NM_001300786.2, NM_001300787.2); c.203T>C, p.Leu68Pro (NM_001363591.3); c.521T>C, p.Leu174Pro (NM_001363592.2); c.-655T>C (NM_001363593.3); short protein forms L114P, L174P, L68P.
Identifiers: ClinVar variation 834257 (VCV000834257.10), dbSNP rs1941425177, ClinGen allele CA380837168.